The following is an entry in ClinVar:

NM_003184.4(TAF2):c.1934C>G (p.Ala645Gly)

Gene: TAF2 (TATA-box binding protein associated factor 2; minus strand). Cytogenetic location: 8q24.12.
Variant type: single nucleotide variant.
Coding change: c.1934C>G on transcript NM_003184.4 (MANE Select); coding-DNA position 1934, C replaced by G.
Protein change: p.Ala645Gly; replaces alanine 645 with glycine.
Molecular consequence: missense variant.
Genome position (GRCh38, 1-based): chr8:119,783,559, G>C on the plus strand (C>G on the coding strand, the complement: TAF2 is on the minus strand). VCF-style: chr8-119783559-G-C. GRCh37 (hg19) VCF-style: chr8-120795799-G-C.
Other names: short protein forms A645G.
Identifiers: ClinVar variation 2107864 (VCV002107864.4), dbSNP rs2488361371, ClinGen allele CA371880729.

ClinVar aggregate classification (germline): Uncertain significance (1 of 4 stars; one submission).

Allele frequency attached by ClinVar (database versions not stated): gnomAD exomes below 0.00001.
gnomAD v4.1: 1 of 1,614,086 alleles (0.000062%); highest among the groups gnomAD compares: East Asian, 0.0022%; no homozygotes.

Submission:

Labcorp Genetics (formerly Invitae), Labcorp
Classification: Uncertain significance. Last evaluated: 2022-03-09. Review status: criteria provided, single submitter. Criteria: Invitae Variant Classification Sherloc (09022015). Collection method: clinical testing. Allele origin: germline.
Comment: This sequence change replaces alanine, which is neutral and non-polar, with glycine, which is neutral and non-polar, at codon 645 of the TAF2 protein (p.Ala645Gly). This variant is not present in population databases (gnomAD no frequency). This variant has not been reported in the literature in individuals affected with TAF2-related conditions. Algorithms developed to predict the effect of missense changes on protein structure and function (SIFT, PolyPhen-2, Align-GVGD) all suggest that this variant is likely to be tolerated. In summary, the available evidence is currently insufficient to determine the role of this variant in disease. Therefore, it has been classified as a Variant of Uncertain Significance.